The following is an entry in ClinVar:

ClinVar aggregate classification (germline): Uncertain significance (1 of 4 stars; one submission).

Conditions:
SEMA3B-related disorder. Also called: SEMA3B-related condition.

Submission:

PreventionGenetics, part of Exact Sciences
Classification: Uncertain significance for SEMA3B-related condition. Last evaluated: 2024-10-12. Review status: criteria provided, single submitter. Criteria: ACMG Guidelines, 2015. Collection method: clinical testing. Allele origin: germline.
Comment: The SEMA3B c.1067T>C variant is predicted to result in the amino acid substitution p.Phe356Ser. To our knowledge, this variant has not been reported in the literature or in a large population database (gnomAD), indicating this variant is rare. At this time, the clinical significance of this variant is uncertain due to the absence of conclusive functional and genetic evidence.

NM_001290060.2(SEMA3B):c.1052T>C (p.Phe351Ser)

Gene: SEMA3B (semaphorin 3B; plus strand). Cytogenetic location: 3p21.31.
Variant type: single nucleotide variant.
Coding change: c.1052T>C on transcript NM_001290060.2 (MANE Select); coding-DNA position 1052, T replaced by C.
Protein change: p.Phe351Ser; replaces phenylalanine 351 with serine.
Molecular consequence: missense variant.
Genome position (GRCh38, 1-based): chr3:50,273,972, T>C. VCF-style: chr3-50273972-T-C. GRCh37 (hg19) VCF-style: chr3-50311403-T-C.
Other names: c.1049T>C, p.Phe350Ser (NM_001005914.3, NM_001435957.1, NM_001435958.1); c.1067T>C, p.Phe356Ser (NM_001290061.1); c.23T>C, p.Phe8Ser (NM_001290062.2, NM_001290063.2); c.1052T>C, p.Phe351Ser (NM_001435956.1, NM_004636.4); short protein forms F356S, F351S, F350S, F8S.
Identifiers: ClinVar variation 4998098 (VCV004998098.1).